The following is an entry in ClinVar:

ClinVar aggregate classification (germline): Uncertain significance. Review status: criteria provided, multiple submitters, no conflicts (2 of 4 stars). 2 submissions from 2 submitters: Uncertain significance (2). Last evaluated 2024-03-18.

Allele frequency attached by ClinVar (database versions not stated): ExAC 0.00002; gnomAD 0.00002; gnomAD exomes 0.00002 and 0.00003; TOPMed 0.00002; ESP Exome Variant Server 0.00008.

Submissions (2):

Blueprint Genetics
Classification: Uncertain significance. Last evaluated: 2024-03-18. Review status: criteria provided, single submitter. Criteria: ACMG Guidelines, 2015. Collection method: clinical testing. Allele origin: germline.

Labcorp Genetics (formerly Invitae), Labcorp
Classification: Uncertain significance. Last evaluated: 2022-08-09. Review status: criteria provided, single submitter. Criteria: Invitae Variant Classification Sherloc (09022015). Collection method: clinical testing. Allele origin: germline.
Comment: This sequence change replaces serine, which is neutral and polar, with glycine, which is neutral and non-polar, at codon 1407 of the SZT2 protein (p.Ser1407Gly). This variant is present in population databases (rs367791781, gnomAD 0.007%). This variant has not been reported in the literature in individuals affected with SZT2-related conditions. ClinVar contains an entry for this variant (Variation ID: 1000022). Algorithms developed to predict the effect of missense changes on protein structure and function output the following: SIFT: "Deleterious"; PolyPhen-2: "Probably Damaging"; Align-GVGD: "Class C0". The glycine amino acid residue is found in multiple mammalian species, which suggests that this missense change does not adversely affect protein function. In summary, the available evidence is currently insufficient to determine the role of this variant in disease. Therefore, it has been classified as a Variant of Uncertain Significance.

NM_001365999.1(SZT2):c.4390A>G (p.Ser1464Gly)

Gene: SZT2 (SZT2 subunit of KICSTOR complex; plus strand). Cytogenetic location: 1p34.2.
Variant type: single nucleotide variant.
Coding change: c.4390A>G on transcript NM_001365999.1 (MANE Select); coding-DNA position 4390, A replaced by G.
Protein change: p.Ser1464Gly; replaces serine 1464 with glycine.
Molecular consequence: missense variant.
Genome position (GRCh38, 1-based): chr1:43,430,092, A>G. VCF-style: chr1-43430092-A-G. GRCh37 (hg19) VCF-style: chr1-43895763-A-G.
Other names: c.4219A>G, p.Ser1407Gly (NM_015284.4); short protein forms S1407G, S1464G.
Identifiers: ClinVar variation 1000022 (VCV001000022.5), dbSNP rs367791781, ClinGen allele CA809266.